The following is an entry in ClinVar:

NM_001321967.2(ATAD1):c.1016C>T (p.Ala339Val)

Gene: ATAD1 (ATPase family AAA domain containing 1; minus strand). Cytogenetic location: 10q23.31.
Variant type: single nucleotide variant.
Coding change: c.1016C>T on transcript NM_001321967.2 (MANE Select); coding-DNA position 1016, C replaced by T.
Protein change: p.Ala339Val; replaces alanine 339 with valine.
Molecular consequence: missense variant. On other transcripts: non-coding transcript variant (1).
Genome position (GRCh38, 1-based): chr10:87,754,757, G>A on the plus strand (C>T on the coding strand, the complement: ATAD1 is on the minus strand). VCF-style: chr10-87754757-G-A. GRCh37 (hg19) VCF-style: chr10-89514514-G-A.
Other names: c.926C>T, p.Ala309Val (NM_001321968.2); c.659C>T, p.Ala220Val (NM_001321969.2); c.1016C>T, p.Ala339Val (NM_032810.4); c.1016C>T (NM_032810.2); short protein forms A220V, A339V, A309V.
Identifiers: ClinVar variation 1415548 (VCV001415548.7), dbSNP rs369812479, ClinGen allele CA5589898.
Genomic context (GRCh38, chr10:87,754,757, plus strand): 5'-CAAACATGTGTTAAAACATTCTGAAATGCTGCATCCTTTGATTTCTTCATCTTTTCAATT[G>A]CCCGATGCAGGTCCTGCTGTTGAACAGGCCGAATTTCATCTTCGTCATGGCTAAAATGCA-3'
Protein context (NP_001308896.1, residues 329-349): RPVQQQDLHR[Ala339Val]IEKMKKSKDA

ClinVar aggregate classification (germline): Uncertain significance. Review status: criteria provided, multiple submitters, no conflicts (2 of 4 stars). 2 submissions from 2 submitters: Uncertain significance (2). Last evaluated 2025-08-25.

Conditions:
Inborn genetic diseases. Identifiers: MedGen C0950123, MeSH D030342.

Allele frequency attached by ClinVar (database versions not stated): gnomAD exomes below 0.00001; ExAC 0.00001; gnomAD 0.00002; TOPMed 0.00002; ESP Exome Variant Server 0.00008.
gnomAD v4.1: 3 of 1,613,336 alleles (0.00019%); highest among the groups gnomAD compares: African/African-American, 0.004%; no homozygotes.

Submissions (2):

Ambry Genetics
Classification: Uncertain significance for Inborn genetic diseases. Last evaluated: 2025-08-25. Review status: criteria provided, single submitter. Criteria: Ambry Variant Classification Scheme 2023. Collection method: clinical testing. Allele origin: germline.

Labcorp Genetics (formerly Invitae), Labcorp
Classification: Uncertain significance. Last evaluated: 2022-01-13. Review status: criteria provided, single submitter. Criteria: Invitae Variant Classification Sherloc (09022015). Collection method: clinical testing. Allele origin: germline.
Comment: In summary, the available evidence is currently insufficient to determine the role of this variant in disease. Therefore, it has been classified as a Variant of Uncertain Significance. This sequence change replaces alanine with valine at codon 339 of the ATAD1 protein (p.Ala339Val). The alanine residue is moderately conserved and there is a small physicochemical difference between alanine and valine. This variant is present in population databases (rs369812479, gnomAD 0.007%). This variant has not been reported in the literature in individuals affected with ATAD1-related conditions. Algorithms developed to predict the effect of missense changes on protein structure and function are either unavailable or do not agree on the potential impact of this missense change (SIFT: "Not Available"; PolyPhen-2: "Benign"; Align-GVGD: "Not Available").